The following is an entry in ClinVar:

NM_002230.4(JUP):c.*18C>T

Gene: JUP (junction plakoglobin; minus strand). Cytogenetic location: 17q21.2.
Variant type: single nucleotide variant.
Coding change: c.*18C>T on transcript NM_002230.4 (MANE Select); 18 bases downstream of the stop codon, C replaced by T.
Molecular consequence: 3 prime UTR variant. On other transcripts: intron variant (5).
Genome position (GRCh38, 1-based): chr17:41,755,726, G>A on the plus strand (C>T on the coding strand, the complement: JUP is on the minus strand). VCF-style: chr17-41755726-G-A. GRCh37 (hg19) VCF-style: chr17-39911978-G-A.
Other names: c.*18C>T (NM_001352773.2); c.*14+4C>T (NM_001352774.2, NM_021991.4, NM_001352776.2 and 2 more transcripts).
Identifiers: ClinVar variation 889513 (VCV000889513.5), dbSNP rs200222165, ClinGen allele CA8564978.

ClinVar aggregate classification (germline): Conflicting classifications of pathogenicity. Review status: criteria provided, conflicting classifications (1 of 4 stars). 3 submissions from 2 submitters: Uncertain significance (2); Benign (1). Last evaluated 2021-05-03.

Conditions:
Arrhythmogenic right ventricular dysplasia 12. Also called: ARRHYTHMOGENIC RIGHT VENTRICULAR DYSPLASIA, FAMILIAL, 12. Identifiers: MedGen C1969081, MONDO:0012684, OMIM 611528.
Naxos disease (NXD). Also called: KERATOSIS PALMOPLANTARIS WITH ARRHYTHMOGENIC CARDIOMYOPATHY; MAL DE NAXOS; PALMOPLANTAR KERATODERMA WITH ARRHYTHMOGENIC RIGHT VENTRICULAR CARDIOMYOPATHY AND WOOLLY HAIR; WOOLLY HAIR, PALMOPLANTAR KERATODERMA, AND CARDIAC ABNORMALITIES; CARDIOMYOPATHY, ARRHYTHMOGENIC RIGHT VENTRICULAR, WITH SKIN, HAIR, AND NAIL ABNORMALITIES. Identifiers: Orphanet 34217, MedGen C1832600, MONDO:0011017, OMIM 601214.

Allele frequency attached by ClinVar (database versions not stated): ESP Exome Variant Server 0.00008; TOPMed 0.00011; 1000 Genomes Project 30x 0.00016; 1000 Genomes Project 0.00020.
gnomAD v4.1: 48 of 1,558,516 alleles (0.0031%); highest among the groups gnomAD compares: African/African-American, 0.046%; no homozygotes.

Submissions (3):

Women's Health and Genetics/Laboratory Corporation of America, LabCorp
Classification: Benign. Last evaluated: 2021-05-03. Review status: criteria provided, single submitter. Criteria: LabCorp Variant Classification Summary - May 2015. Collection method: clinical testing. Allele origin: germline.
Comment: Variant summary: JUP c.*14+4C>T is located in the untranslated mRNA region downstream of the termination codon. 4/4 computational tools predict no significant impact on normal splicing. However, these predictions have yet to be confirmed by functional studies. The variant allele was found at a frequency of 6.3e-05 in 221604 control chromosomes. The observed variant frequency is approximately 10-fold the estimated maximal expected allele frequency for a pathogenic variant in JUP causing Arrhythmogenic Right Ventricular Dysplasia/Cardiomyopathy phenotype (6.3e-06), strongly suggesting that the variant is benign. To our knowledge, no occurrence of c.*14+4C>T in individuals affected with Arrhythmogenic Right Ventricular Dysplasia/Cardiomyopathy and no experimental evidence demonstrating its impact on protein function have been reported. One ClinVar submitter (evaluation after 2014) cited the variant as uncertain significance. Based on the evidence outlined above, the variant was classified as benign.

Illumina Laboratory Services, Illumina
Classification: Uncertain significance for Arrhythmogenic right ventricular dysplasia 12. Last evaluated: 2018-01-12. Review status: criteria provided, single submitter. Criteria: ICSL Variant Classification Criteria 13 December 2019. Collection method: clinical testing. Allele origin: germline.

Illumina Laboratory Services, Illumina
Classification: Uncertain significance for Naxos disease. Last evaluated: 2018-01-12. Review status: criteria provided, single submitter. Criteria: ICSL Variant Classification Criteria 13 December 2019. Collection method: clinical testing. Allele origin: germline.